The following is an entry in ClinVar:

ClinVar aggregate classification (germline): Uncertain significance (1 of 4 stars; one submission).

Conditions:
Hereditary cancer-predisposing syndrome. Also called: Neoplastic Syndromes, Hereditary; Hereditary Cancer Syndrome; Tumor predisposition; Hereditary neoplastic syndrome. Identifiers: Orphanet 140162, MedGen C0027672, MeSH D009386, MONDO:0015356.

Submission:

Ambry Genetics
Classification: Uncertain significance for Hereditary cancer-predisposing syndrome. Last evaluated: 2024-12-29. Review status: criteria provided, single submitter. Criteria: Ambry Variant Classification Scheme 2023. Collection method: clinical testing. Allele origin: germline.
Comment: The p.R28L variant (also known as c.83G>T), located in coding exon 1 of the STK11 gene, results from a G to T substitution at nucleotide position 83. The arginine at codon 28 is replaced by leucine, an amino acid with dissimilar properties. This amino acid position is conserved. In addition, the in silico prediction for this alteration is inconclusive. Based on the available evidence, the clinical significance of this variant remains unclear.

NM_000455.5(STK11):c.83G>T (p.Arg28Leu)

Gene: STK11 (serine/threonine kinase 11; plus strand). Cytogenetic location: 19p13.3.
Variant type: single nucleotide variant.
Coding change: c.83G>T on transcript NM_000455.5 (MANE Select); coding-DNA position 83, G replaced by T.
Protein change: p.Arg28Leu; replaces arginine 28 with leucine.
Molecular consequence: missense variant. On other transcripts: non-coding transcript variant (1).
Genome position (GRCh38, 1-based): chr19:1,206,996, G>T. VCF-style: chr19-1206996-G-T. GRCh37 (hg19) VCF-style: chr19-1206995-G-T.
Other names: c.83G>T, p.Arg28Leu (NM_001407255.1); short protein forms R28L.
Identifiers: ClinVar variation 3802390 (VCV003802390.1).
Genomic context (GRCh38, chr19:1,206,996, plus strand): 5'-AGCTGGGCATGTTCACGGAGGGCGAGCTGATGTCGGTGGGTATGGACACGTTCATCCACC[G>T]CATCGACTCCACCGAGGTCATCTACCAGCCGCGCCGCAAGCGGGCCAAGCTCATCGGCAA-3'
Protein context (NP_000446.1, residues 18-38): MSVGMDTFIH[Arg28Leu]IDSTEVIYQP